The following is an entry in ClinVar:

ClinVar aggregate classification (germline): Uncertain significance. Review status: criteria provided, multiple submitters, no conflicts (2 of 4 stars). 3 submissions from 3 submitters: Uncertain significance (2). 1 of the submissions does not count toward it. Last evaluated 2026-06-17.

Conditions:
Neurodevelopmental abnormality. Identifiers: MedGen C4022737, HP:0012759.
Inborn genetic diseases. Identifiers: MedGen C0950123, MeSH D030342.

Allele frequency attached by ClinVar (database versions not stated): gnomAD below 0.00001 and 0.00001; TOPMed 0.00001.
gnomAD v4.1: 3 of 1,582,706 alleles (0.00019%); highest among the groups gnomAD compares: South Asian, 0.0011%; no homozygotes.

Submissions (3):

Ambry Genetics
Classification: Uncertain significance for Inborn genetic diseases. Last evaluated: 2026-06-17. Review status: criteria provided, single submitter. Criteria: Ambry Variant Classification Scheme 2023. Collection method: clinical testing. Allele origin: germline.

Labcorp Genetics (formerly Invitae), Labcorp
Classification: Uncertain significance. Last evaluated: 2023-06-20. Review status: criteria provided, single submitter. Criteria: Invitae Variant Classification Sherloc (09022015). Collection method: clinical testing. Allele origin: germline.
Comment: This sequence change replaces aspartic acid, which is acidic and polar, with asparagine, which is neutral and polar, at codon 335 of the AHDC1 protein (p.Asp335Asn). This variant is not present in population databases (gnomAD no frequency). This variant has not been reported in the literature in individuals affected with AHDC1-related conditions. ClinVar contains an entry for this variant (Variation ID: 984571). An algorithm developed to predict the effect of missense changes on protein structure and function (PolyPhen-2) suggests that this variant is likely to be disruptive. In summary, the available evidence is currently insufficient to determine the role of this variant in disease. Therefore, it has been classified as a Variant of Uncertain Significance.

Department of Genetics, Rouen University Hospital, Normandy Center for Genomic and Personalized Medicine
Classification: Likely benign for Neurodevelopmental abnormality. Last evaluated: 2020-04-03. Review status: no assertion criteria provided. Collection method: clinical testing. Allele origin: maternal. Affected: yes. Not counted in ClinVar's aggregate classification.

NM_001371928.1(AHDC1):c.1003G>A (p.Asp335Asn)

Gene: AHDC1 (AT-hook DNA binding motif containing 1; minus strand). Cytogenetic location: 1p36.11.
Variant type: single nucleotide variant.
Coding change: c.1003G>A on transcript NM_001371928.1 (MANE Select); coding-DNA position 1003, G replaced by A.
Protein change: p.Asp335Asn; replaces aspartic acid 335 with asparagine.
Molecular consequence: missense variant.
Genome position (GRCh38, 1-based): chr1:27,551,113, C>T on the plus strand (G>A on the coding strand, the complement: AHDC1 is on the minus strand). VCF-style: chr1-27551113-C-T. GRCh37 (hg19) VCF-style: chr1-27877624-C-T.
Other names: c.1003G>A, p.Asp335Asn (NM_001029882.3); c.1003G>A (NM_001029882.2); short protein forms D335N.
Identifiers: ClinVar variation 984571 (VCV000984571.7), dbSNP rs1202158646, ClinGen allele CA339235569.